The following is an entry in ClinVar:

ClinVar aggregate classification (germline): Uncertain significance (1 of 4 stars; one submission).

Conditions:
Bloom syndrome (BLM). Also called: Bloom-Torre-Machacek syndrome. Identifiers: Orphanet 125, MedGen C0005859, MONDO:0008876, OMIM 210900.

Submission:

Labcorp Genetics (formerly Invitae), Labcorp
Classification: Uncertain significance for Bloom syndrome. Last evaluated: 2025-05-12. Review status: criteria provided, single submitter. Criteria: Invitae Variant Classification Sherloc (09022015). Collection method: clinical testing. Allele origin: germline.
Comment: This sequence change replaces serine, which is neutral and polar, with leucine, which is neutral and non-polar, at codon 17 of the BLM protein (p.Ser17Leu). This variant is not present in population databases (gnomAD no frequency). This variant has not been reported in the literature in individuals affected with BLM-related conditions. ClinVar contains an entry for this variant (Variation ID: 1055863). An algorithm developed to predict the effect of missense changes on protein structure and function (PolyPhen-2) suggests that this variant is likely to be disruptive. Algorithms developed to predict the effect of sequence changes on RNA splicing suggest that this variant may disrupt the consensus splice site. In summary, the available evidence is currently insufficient to determine the role of this variant in disease. Therefore, it has been classified as a Variant of Uncertain Significance.

NM_000057.4(BLM):c.50C>T (p.Ser17Leu)

Gene: BLM (BLM RecQ like helicase; plus strand). Cytogenetic location: 15q26.1.
Variant type: single nucleotide variant.
Coding change: c.50C>T on transcript NM_000057.4 (MANE Select); coding-DNA position 50, C replaced by T.
Protein change: p.Ser17Leu; replaces serine 17 with leucine.
Molecular consequence: missense variant. On other transcripts: 5 prime UTR variant (1).
Genome position (GRCh38, 1-based): chr15:90,747,442, C>T. VCF-style: chr15-90747442-C-T. GRCh37 (hg19) VCF-style: chr15-91290672-C-T.
Other names: c.50C>T, p.Ser17Leu (NM_001287246.2, NM_001287247.2); c.-1242C>T (NM_001287248.2); short protein forms S17L.
Identifiers: ClinVar variation 1055863 (VCV001055863.8), dbSNP rs2151145042, ClinGen allele CA393838908.